The following is an entry in ClinVar:

ClinVar aggregate classification (germline): Likely pathogenic (1 of 4 stars; one submission).

Conditions:
Cardiovascular phenotype. Identifiers: MedGen CN230736.

Submission:

Molecular Diagnostic Laboratory for Inherited Cardiovascular Disease, Montreal Heart Institute
Classification: Likely pathogenic for Cardiovascular phenotype. Last evaluated: 2025-11-19. Review status: criteria provided, single submitter. Criteria: ACMG Guidelines, 2015. Collection method: clinical testing. Allele origin: germline. Affected: yes.
Comment: PM1, PM2, PM5_supp, PP2, PP3

NM_000090.4(COL3A1):c.862G>C (p.Gly288Arg)

Gene: COL3A1 (collagen type III alpha 1 chain; plus strand). Cytogenetic location: 2q32.2.
Variant type: single nucleotide variant.
Coding change: c.862G>C on transcript NM_000090.4 (MANE Select); coding-DNA position 862, G replaced by C.
Protein change: p.Gly288Arg; replaces glycine 288 with arginine.
Molecular consequence: missense variant.
Genome position (GRCh38, 1-based): chr2:188,991,496, G>C. VCF-style: chr2-188991496-G-C. GRCh37 (hg19) VCF-style: chr2-189856222-G-C.
Other names: short protein forms G288R.
Identifiers: ClinVar variation 4820419 (VCV004820419.1).